The following is an entry in ClinVar:

ClinVar aggregate classification (germline): Pathogenic (1 of 4 stars; one submission).

Conditions:
Hereditary pheochromocytoma and paraganglioma. Also called: Hereditary Paraganglioma-Pheochromocytoma Syndromes; Hereditary paragangliomas and pheochromocytomas; Hereditary pheochromocytoma-paraganglioma. Identifiers: Orphanet 29072, MedGen C4274332, MONDO:0017366.

Submission:

Labcorp Genetics (formerly Invitae), Labcorp
Classification: Pathogenic for Hereditary pheochromocytoma and paraganglioma. Last evaluated: 2018-06-12. Review status: criteria provided, single submitter. Criteria: Invitae Variant Classification Sherloc (09022015). Collection method: clinical testing. Allele origin: germline.
Comment: This sequence change results in a premature translational stop signal in the TMEM127 gene (p.Leu113Trpfs*11). While this is not anticipated to result in nonsense mediated decay, it is expected to disrupt the last 126 amino acids of the TMEM127 protein. This variant is not present in population databases (ExAC no frequency). This variant has not been reported in the literature in individuals with TMEM127-related disease. A different truncation (p.Gln157*) that lies downstream of this variant has been determined to be pathogenic (PMID: 22419703, Invitae). This suggests that deletion of this region of the TMEM127 protein is causative of disease. For these reasons, this variant has been classified as Pathogenic.

Literature cited by the submitters: PubMed 22419703.

NM_017849.4(TMEM127):c.337del (p.Leu113fs)

Gene: TMEM127 (transmembrane protein 127; minus strand). Cytogenetic location: 2q11.2.
Variant type: Deletion.
Coding change: c.337del on transcript NM_017849.4 (MANE Select); coding-DNA position 337, one base deleted (C; older notation c.337delC).
Protein change: p.Leu113fs; shifts the reading frame from leucine 113.
Molecular consequence: frameshift variant.
Genome position (GRCh38, 1-based): chr2:96,254,905, G deleted on the plus strand (C on the coding strand, the reverse complement: TMEM127 is on the minus strand). VCF-style (leftmost placement, unchanged base first): chr2-96254904-AG-A. GRCh37 (hg19) VCF-style: chr2-96920642-AG-A.
Other names: c.337del, p.Leu113fs (NM_001193304.3); c.337delC (NM_017849.3); short protein forms L113fs.
Identifiers: ClinVar variation 575997 (VCV000575997.8), dbSNP rs1558752468, ClinGen allele CA658683087.